The following is an entry in ClinVar:

NM_004260.4(RECQL4):c.431G>T (p.Gly144Val)

Gene: RECQL4 (RecQ like helicase 4; minus strand). Cytogenetic location: 8q24.3.
Variant type: single nucleotide variant.
Coding change: c.431G>T on transcript NM_004260.4 (MANE Select); coding-DNA position 431, G replaced by T.
Protein change: p.Gly144Val; replaces glycine 144 with valine.
Molecular consequence: missense variant. On other transcripts: 5 prime UTR variant (12), non-coding transcript variant (3), intron variant (5), splice donor variant (1).
Genome position (GRCh38, 1-based): chr8:144,516,688, C>A on the plus strand (G>T on the coding strand, the complement: RECQL4 is on the minus strand). VCF-style: chr8-144516688-C-A. GRCh37 (hg19) VCF-style: chr8-145742072-C-A.
Other names: c.431G>T, p.Gly144Val (NM_001413017.1, NM_001413018.1, NM_001413019.1 and 4 more transcripts); c.-641G>T (NM_001413022.1, NM_001413023.1, NM_001413037.1 and 3 more transcripts); c.302G>T, p.Gly101Val (NM_001413025.1); c.-703G>T (NM_001413027.1, NM_001413030.1, NM_001413031.1 and 1 more transcripts); c.-545G>T (NM_001413034.1); c.-910G>T (NM_001413043.1); c.355-275G>T (NM_001413029.1); c.-676-27G>T (NM_001413032.1); and 3 more; short protein forms G101V, G144V.
Identifiers: ClinVar variation 2837726 (VCV002837726.3), dbSNP rs758010588, ClinGen allele CA372691510.

ClinVar aggregate classification (germline): Uncertain significance (1 of 4 stars; one submission).

Conditions:
Baller-Gerold syndrome (BGS). Also called: CRANIOSYNOSTOSIS WITH RADIAL DEFECTS. Identifiers: Orphanet 1225, MedGen C0265308, MONDO:0009039, OMIM 218600.

Submission:

Labcorp Genetics (formerly Invitae), Labcorp
Classification: Uncertain significance for Baller-Gerold syndrome. Last evaluated: 2023-02-16. Review status: criteria provided, single submitter. Criteria: Invitae Variant Classification Sherloc (09022015). Collection method: clinical testing. Allele origin: germline.
Comment: This sequence change replaces glycine, which is neutral and non-polar, with valine, which is neutral and non-polar, at codon 144 of the RECQL4 protein (p.Gly144Val). This variant is not present in population databases (gnomAD no frequency). This variant has not been reported in the literature in individuals affected with RECQL4-related conditions. Advanced modeling of protein sequence and biophysical properties (such as structural, functional, and spatial information, amino acid conservation, physicochemical variation, residue mobility, and thermodynamic stability) performed at Invitae indicates that this missense variant is not expected to disrupt RECQL4 protein function. Algorithms developed to predict the effect of sequence changes on RNA splicing suggest that this variant may disrupt the consensus splice site. In summary, the available evidence is currently insufficient to determine the role of this variant in disease. Therefore, it has been classified as a Variant of Uncertain Significance.